The following is an entry in ClinVar:

ClinVar aggregate classification (germline): Uncertain significance. Review status: criteria provided, multiple submitters, no conflicts (2 of 4 stars). 2 submissions from 2 submitters: Uncertain significance (2). Last evaluated 2025-07-14.

Conditions:
Cardiovascular phenotype. Identifiers: MedGen CN230736.
Brugada syndrome 5 (BRGDA5). Identifiers: Orphanet 130, Orphanet 871, MedGen C2748541, MONDO:0013015, OMIM 612838.

Allele frequency attached by ClinVar (database versions not stated): TOPMed 0.00001; gnomAD 0.00003.
gnomAD v4.1: 10 of 1,613,888 alleles (0.00062%); highest among the groups gnomAD compares: African/African-American, 0.0027%; no homozygotes.

Submissions (2):

Labcorp Genetics (formerly Invitae), Labcorp
Classification: Uncertain significance for Brugada syndrome 5. Last evaluated: 2025-07-14. Review status: criteria provided, single submitter. Criteria: Invitae Variant Classification Sherloc (09022015). Collection method: clinical testing. Allele origin: germline.
Comment: This sequence change replaces valine, which is neutral and non-polar, with methionine, which is neutral and non-polar, at codon 22 of the SCN1B protein (p.Val22Met). This variant is present in population databases (no rsID available, gnomAD 0.004%). This variant has not been reported in the literature in individuals affected with SCN1B-related conditions. ClinVar contains an entry for this variant (Variation ID: 568522). An algorithm developed to predict the effect of missense changes on protein structure and function (PolyPhen-2) suggests that this variant is likely to be disruptive. In summary, the available evidence is currently insufficient to determine the role of this variant in disease. Therefore, it has been classified as a Variant of Uncertain Significance.

Ambry Genetics
Classification: Uncertain significance for Cardiovascular phenotype. Last evaluated: 2025-05-08. Review status: criteria provided, single submitter. Criteria: Ambry Variant Classification Scheme 2023. Collection method: clinical testing. Allele origin: germline.
Comment: The p.V22M variant (also known as c.64G>A), located in coding exon 2 of the SCN1B gene, results from a G to A substitution at nucleotide position 64. The valine at codon 22 is replaced by methionine, an amino acid with highly similar properties. This variant was reported in individual(s) with features consistent with epilepsy (Truty R et al. Epilepsia Open, 2019 Sep;4:397-408; Epi25 Collaborative. Nat Neurosci, 2024 Oct;27:1864-1879). This amino acid position is well conserved in available vertebrate species. In addition, the in silico prediction for this alteration is inconclusive. Based on the available evidence, the clinical significance of this variant remains unclear.

Literature cited by the submitters: PubMed 31440721 (cited by Ambry Genetics); PubMed 39363051 (cited by Ambry Genetics).

NM_001037.5(SCN1B):c.64G>A (p.Val22Met)

Gene: SCN1B (sodium voltage-gated channel beta subunit 1; plus strand). Cytogenetic location: 19q13.11.
Variant type: single nucleotide variant.
Coding change: c.64G>A on transcript NM_001037.5 (MANE Select); coding-DNA position 64, G replaced by A.
Protein change: p.Val22Met; replaces valine 22 with methionine.
Molecular consequence: missense variant. On other transcripts: 5 prime UTR variant (1).
Genome position (GRCh38, 1-based): chr19:35,032,551, G>A. VCF-style: chr19-35032551-G-A. GRCh37 (hg19) VCF-style: chr19-35523455-G-A.
Other names: c.-36G>A (NM_001321605.2); c.64G>A, p.Val22Met (NM_199037.5); c.64G>A (NM_001037.4); short protein forms V22M.
Identifiers: ClinVar variation 568522 (VCV000568522.9), dbSNP rs745578106, ClinGen allele CA405327916.